The following is an entry in ClinVar:

NM_003238.6(TGFB2):c.262G>T (p.Ala88Ser)

Gene: TGFB2 (transforming growth factor beta 2; plus strand). Cytogenetic location: 1q41.
Variant type: single nucleotide variant.
Coding change: c.262G>T on transcript NM_003238.6 (MANE Select); coding-DNA position 262, G replaced by T.
Protein change: p.Ala88Ser; replaces alanine 88 with serine.
Molecular consequence: missense variant. On other transcripts: non-coding transcript variant (2).
Genome position (GRCh38, 1-based): chr1:218,346,963, G>T. VCF-style: chr1-218346963-G-T. GRCh37 (hg19) VCF-style: chr1-218520305-G-T.
Other names: c.262G>T, p.Ala88Ser (NM_001135599.4); short protein forms A88S.
Identifiers: ClinVar variation 5008693 (VCV005008693.1).
Genomic context (GRCh38, chr1:218,346,963, plus strand): 5'-ATTTCCATCTACAACAGCACCAGGGACTTGCTCCAGGAGAAGGCGAGCCGGAGGGCGGCC[G>T]CCTGCGAGCGCGAGAGGAGCGACGAAGAGTACTACGCCAAGGAGGTTTACAAAATAGACA-3'
Protein context (NP_003229.1, residues 78-98): LQEKASRRAA[Ala88Ser]CERERSDEEY

ClinVar aggregate classification (germline): Uncertain significance (1 of 4 stars; one submission).

gnomAD v4.1: 6 of 1,613,892 alleles (0.00037%); highest among the groups gnomAD compares: Non-Finnish European, 0.00042%; no homozygotes.

Submission:

GeneDx
Classification: Uncertain significance. Last evaluated: 2026-03-06. Review status: criteria provided, single submitter. Criteria: GeneDx Variant Classification Process June 2021. Collection method: clinical testing. Allele origin: germline.
Comment: Not observed at significant frequency in large population cohorts (gnomAD); In silico analysis suggests that this missense variant does not alter protein structure/function; Has not been previously published as pathogenic or benign to our knowledge